The following is an entry in ClinVar:

NM_002599.5(PDE2A):c.300G>A (p.Glu100=)

Gene: PDE2A (phosphodiesterase 2A; minus strand). Cytogenetic location: 11q13.4.
Variant type: single nucleotide variant.
Coding change: c.300G>A on transcript NM_002599.5 (MANE Select); coding-DNA position 300, G replaced by A.
Protein change: p.Glu100=; no amino-acid change (glutamic acid 100 retained).
Molecular consequence: synonymous variant.
Genome position (GRCh38, 1-based): chr11:72,605,161, C>T on the plus strand (G>A on the coding strand, the complement: PDE2A is on the minus strand). VCF-style: chr11-72605161-C-T. GRCh37 (hg19) VCF-style: chr11-72316205-C-T.
Other names: c.279G>A, p.Glu93= (NM_001143839.4); c.273G>A, p.Glu91= (NM_001146209.3); c.237G>A, p.Glu79= (NM_001243784.2).
Identifiers: ClinVar variation 2642127 (VCV002642127.24), dbSNP rs1339521434, ClinGen allele CA475624653.

ClinVar aggregate classification (germline): Likely benign (1 of 4 stars; one submission).

Allele frequency attached by ClinVar (database versions not stated): gnomAD exomes below 0.00001.
gnomAD v4.1: 1 of 1,610,242 alleles (0.000062%); highest among the groups gnomAD compares: Non-Finnish European, 0.000085%; no homozygotes.

Submission:

CeGaT Center for Human Genetics Tuebingen
Classification: Likely benign. Last evaluated: 2022-03-01. Review status: criteria provided, single submitter. Criteria: CeGaT Center For Human Genetics Tuebingen Variant Classification Criteria Version 2. Collection method: clinical testing. Allele origin: germline. Affected: yes. Observed: 1 variant allele.
Comment: PDE2A: BP4, BP7